The following is an entry in ClinVar:

ClinVar aggregate classification (germline): Uncertain significance (1 of 4 stars; one submission).

Allele frequency attached by ClinVar (database versions not stated): gnomAD 0.00001; gnomAD exomes 0.00001; TOPMed 0.00001.
gnomAD v4.1: 8 of 1,611,974 alleles (0.0005%); highest among the groups gnomAD compares: Middle Eastern, 0.017%; no homozygotes.

Submission:

Labcorp Genetics (formerly Invitae), Labcorp
Classification: Uncertain significance. Last evaluated: 2022-02-09. Review status: criteria provided, single submitter. Criteria: Invitae Variant Classification Sherloc (09022015). Collection method: clinical testing. Allele origin: germline.
Comment: This sequence change replaces valine, which is neutral and non-polar, with methionine, which is neutral and non-polar, at codon 35 of the TCIRG1 protein (p.Val35Met). This variant is not present in population databases (gnomAD no frequency). This variant has not been reported in the literature in individuals affected with TCIRG1-related conditions. Algorithms developed to predict the effect of missense changes on protein structure and function are either unavailable or do not agree on the potential impact of this missense change (SIFT: "Deleterious"; PolyPhen-2: "Probably Damaging"; Align-GVGD: "Class C0"). In summary, the available evidence is currently insufficient to determine the role of this variant in disease. Therefore, it has been classified as a Variant of Uncertain Significance.

NM_006019.4(TCIRG1):c.103G>A (p.Val35Met)

Gene: TCIRG1 (T cell immune regulator 1, ATPase H+ transporting V0 subunit a3; plus strand). Cytogenetic location: 11q13.2.
Variant type: single nucleotide variant.
Coding change: c.103G>A on transcript NM_006019.4 (MANE Select); coding-DNA position 103, G replaced by A.
Protein change: p.Val35Met; replaces valine 35 with methionine.
Molecular consequence: missense variant. On other transcripts: 5 prime UTR variant (1).
Genome position (GRCh38, 1-based): chr11:68,041,374, G>A. VCF-style: chr11-68041374-G-A. GRCh37 (hg19) VCF-style: chr11-67808841-G-A.
Other names: c.-1147G>A (NM_001351059.2); short protein forms V35M.
Identifiers: ClinVar variation 2162361 (VCV002162361.1), dbSNP rs929362651, ClinGen allele CA224199741.
Genomic context (GRCh38, chr11:68,041,374, plus strand): 5'-CTCTTTCTGCCCACAGCGGCTGCCTACACCTGCGTGAGTCGGCTGGGCGAGCTGGGCCTC[G>A]TGGAGTTCAGAGACGTGAGTTGGGTGGGCAGGCGTGGGAAGGGGGCTACTGCCAAGGTTA-3'
Protein context (NP_006010.2, residues 25-45): CVSRLGELGL[Val35Met]EFRDLNASVS